The following is an entry in ClinVar:

NM_017617.5(NOTCH1):c.6131C>T (p.Ala2044Val)

Genes: NOTCH1 (notch receptor 1; minus strand), LOC126860794 (BRD4-independent group 4 enhancer GRCh37_chr9:139392592-139393791; plus strand). Cytogenetic location: 9q34.3.
Variant type: single nucleotide variant.
Coding change: c.6131C>T on transcript NM_017617.5 (MANE Select); coding-DNA position 6131, C replaced by T.
Protein change: p.Ala2044Val; replaces alanine 2044 with valine.
Molecular consequence: missense variant.
Genome position (GRCh38, 1-based): chr9:136,498,948, G>A on the plus strand (C>T on the coding strand, the complement: NOTCH1 is on the minus strand). VCF-style: chr9-136498948-G-A. GRCh37 (hg19) VCF-style: chr9-139393400-G-A.
Other names: c.6131C>T, p.Ala2044Val (LRG_1122t1); short protein forms A2044V.
Identifiers: ClinVar variation 426315 (VCV000426315.5), dbSNP rs1085307562, ClinGen allele CA375633945.
Genomic context (GRCh38, chr9:136,498,948, plus strand): 5'-CTCGCGCTCACCCTGTTGTTCTGCATATCTTTGTTAGCCCCGTTCTTCAGGAGCACAACT[G>A]CGGCATCCACATTGTTCACGGCGGCGGCCCAGTGCAGGGCGGACTTGCCTGCGTGAAAGA-3'
Protein context (NP_060087.3, residues 2034-2054): WAAAVNNVDA[Ala2044Val]VVLLKNGANK

ClinVar aggregate classification (germline): Conflicting classifications of pathogenicity. Review status: criteria provided, conflicting classifications (1 of 4 stars). 2 submissions from 2 submitters: Uncertain significance (1); Likely benign (1). Last evaluated 2023-01-04.

Conditions:
Adams-Oliver syndrome 5 (AOS5). Identifiers: Orphanet 974, MedGen C4014970, MONDO:0014459, OMIM 616028.

Allele frequency attached by ClinVar (database versions not stated): gnomAD exomes 0.00001.
gnomAD v4.1: 4 of 1,613,658 alleles (0.00025%); highest among the groups gnomAD compares: South Asian, 0.0044%; no homozygotes.

Submissions (2):

Labcorp Genetics (formerly Invitae), Labcorp
Classification: Likely benign for Adams-Oliver syndrome 5. Last evaluated: 2023-01-04. Review status: criteria provided, single submitter. Criteria: Invitae Variant Classification Sherloc (09022015). Collection method: clinical testing. Allele origin: germline.

GeneDx
Classification: Uncertain significance. Last evaluated: 2017-04-20. Review status: criteria provided, single submitter. Criteria: GeneDx Variant Classification (06012015). Collection method: clinical testing. Allele origin: germline. Affected: yes.
Comment: The A2044V variant of uncertain significance in the NOTCH1 gene has not been published as pathogenic or been reported as benign to our knowledge. A2044V is not observed in large population cohorts (Lek et al., 2016; 1000 Genomes Consortium et al., 2015; Exome Variant Server). The A2044V variant is a conservative amino acid substitution, which is not likely to impact secondary protein structure as these residues share similar properties. This substitution occurs at a position where only amino acids with similar properties to alanine are tolerated across species, however, V2044 is the wild-type residue in at least one species. In silico analysis is inconsistent in its predictions as to whether or not the variant is damaging to the protein structure/function.